The following is an entry in ClinVar:

ClinVar aggregate classification (germline): Uncertain significance (1 of 4 stars; one submission).

Conditions:
Sulfite oxidase deficiency due to molybdenum cofactor deficiency type C. Also called: Molybdenum cofactor deficiency, complementation group C; Molybdenum cofactor deficiency C. Identifiers: Orphanet 308400, Orphanet 833, MedGen C1854990, MONDO:0014212, OMIM 615501.

Submission:

Labcorp Genetics (formerly Invitae), Labcorp
Classification: Uncertain significance for Sulfite oxidase deficiency due to molybdenum cofactor deficiency type C. Last evaluated: 2024-03-02. Review status: criteria provided, single submitter. Criteria: Invitae Variant Classification Sherloc (09022015). Collection method: clinical testing. Allele origin: germline.
Comment: This sequence change replaces methionine, which is neutral and non-polar, with threonine, which is neutral and polar, at codon 744 of the GPHN protein (p.Met744Thr). This variant is not present in population databases (gnomAD no frequency). This variant has not been reported in the literature in individuals affected with GPHN-related conditions. Advanced modeling of protein sequence and biophysical properties (such as structural, functional, and spatial information, amino acid conservation, physicochemical variation, residue mobility, and thermodynamic stability) performed at Invitae indicates that this missense variant is not expected to disrupt GPHN protein function with a negative predictive value of 80%. In summary, the available evidence is currently insufficient to determine the role of this variant in disease. Therefore, it has been classified as a Variant of Uncertain Significance.

NM_020806.5(GPHN):c.2231T>C (p.Met744Thr)

Gene: GPHN (gephyrin; plus strand). Cytogenetic location: 14q23.3.
Variant type: single nucleotide variant.
Coding change: c.2231T>C on transcript NM_020806.5 (MANE Select); coding-DNA position 2231, T replaced by C.
Protein change: p.Met744Thr; replaces methionine 744 with threonine.
Molecular consequence: missense variant.
Genome position (GRCh38, 1-based): chr14:67,180,858, T>C. VCF-style: chr14-67180858-T-C. GRCh37 (hg19) VCF-style: chr14-67647575-T-C.
Other names: c.2132T>C, p.Met711Thr (NM_001024218.2); c.2291T>C, p.Met764Thr (NM_001377514.1); c.2261T>C, p.Met754Thr (NM_001377515.1); c.2252T>C, p.Met751Thr (NM_001377516.1); c.2204T>C, p.Met735Thr (NM_001377517.1); c.2189T>C, p.Met730Thr (NM_001377518.1); c.2171T>C, p.Met724Thr (NM_001377519.1); short protein forms M751T, M754T, M711T, M735T, M724T, M764T, M730T, M744T.
Identifiers: ClinVar variation 3644088 (VCV003644088.2).